The following is an entry in ClinVar:

ClinVar aggregate classification (germline): Likely pathogenic (1 of 4 stars; one submission).

Conditions:
Perlman syndrome (PRLMNS). Identifiers: Orphanet 2849, MedGen C0796113, MONDO:0009965, OMIM 267000.

Submission:

St. Jude Molecular Pathology, St. Jude Children's Research Hospital
Classification: Likely pathogenic for Perlman syndrome. Last evaluated: 2026-10-01. Review status: criteria provided, single submitter. Criteria: St. Jude Assertion Criteria 2020. Collection method: clinical testing. Allele origin: germline.
Comment: The DIS3L2 c.950+12372_1124+13158del variant is a gross deletion of the genomic region encompassing exon 9 of the DIS3L2 gene. The 5' end is confined to intron 8. The 3Ã¢ € ™ end of this eve nt is confined to intron 9. The deletion is expected to be in-frame. Deletions of exon 9 have been reported in the homozygous and compound heterozygous state in individuals with Perlman syndrome (PMID: 22306653, 23486540). Germline deletions of exon 9 ha ve also been reported in individuals with Wilms tumor whose tumor harbored a second hit in DIS3L2 (PMID: 35230882). In summary, this variant meets criteria to be classified as likely pathogenic.

NM_152383.5:c.950+12372_1124+13158del

Gene: DIS3L2 (DIS3 like 3'-5' exoribonuclease 2; plus strand).
Variant type: Deletion.
Other names: c.950+12372_1124+13158del (NM_152383.5).
Identifiers: ClinVar variation 3602643 (VCV003602643.2).